The following is an entry in ClinVar:

ClinVar aggregate classification (germline): Uncertain significance (1 of 4 stars; one submission).

Allele frequency attached by ClinVar (database versions not stated): TOPMed below 0.00001.

Submission:

Labcorp Genetics (formerly Invitae), Labcorp
Classification: Uncertain significance. Last evaluated: 2022-02-24. Review status: criteria provided, single submitter. Criteria: Invitae Variant Classification Sherloc (09022015). Collection method: clinical testing. Allele origin: germline.
Comment: In summary, the available evidence is currently insufficient to determine the role of this variant in disease. Therefore, it has been classified as a Variant of Uncertain Significance. Algorithms developed to predict the effect of missense changes on protein structure and function (SIFT, PolyPhen-2, Align-GVGD) all suggest that this variant is likely to be disruptive. This variant has not been reported in the literature in individuals affected with ZNF408-related conditions. This variant is not present in population databases (gnomAD no frequency). This sequence change replaces glycine, which is neutral and non-polar, with serine, which is neutral and polar, at codon 402 of the ZNF408 protein (p.Gly402Ser).

NM_024741.3(ZNF408):c.1204G>A (p.Gly402Ser)

Gene: ZNF408 (zinc finger protein 408; plus strand). Cytogenetic location: 11p11.2.
Variant type: single nucleotide variant.
Coding change: c.1204G>A on transcript NM_024741.3 (MANE Select); coding-DNA position 1204, G replaced by A.
Protein change: p.Gly402Ser; replaces glycine 402 with serine.
Molecular consequence: missense variant.
Genome position (GRCh38, 1-based): chr11:46,704,904, G>A. VCF-style: chr11-46704904-G-A. GRCh37 (hg19) VCF-style: chr11-46726454-G-A.
Other names: c.1180G>A, p.Gly394Ser (NM_001184751.2); short protein forms G394S, G402S.
Identifiers: ClinVar variation 2102911 (VCV002102911.4), dbSNP rs1251540409, ClinGen allele CA380255265.